The following is an entry in ClinVar:

ClinVar aggregate classification (germline): Likely benign. Review status: criteria provided, multiple submitters, no conflicts (2 of 4 stars). 4 submissions from 4 submitters: Likely benign (4). Last evaluated 2026-02-01.

Conditions:
KBG syndrome (KBGS). Also called: ANKRD11-Related KBG Syndrome. Identifiers: Orphanet 2332, MedGen C0220687, MONDO:0007846, OMIM 148050.
ANKRD11-related disorder. Also called: ANKRD11-related condition.

Allele frequency attached by ClinVar (database versions not stated): gnomAD 0.00009 and 0.00010; TOPMed 0.00010; gnomAD exomes 0.00012; ExAC 0.00017.
gnomAD v4.1: 163 of 1,543,880 alleles (0.011%); highest among the groups gnomAD compares: East Asian, 0.024%; no homozygotes.

Submissions (4):

CeGaT Center for Human Genetics Tuebingen
Classification: Likely benign. Last evaluated: 2026-02-01. Review status: criteria provided, single submitter. Criteria: CeGaT Center For Human Genetics Tuebingen Variant Classification Criteria Version 2. Collection method: clinical testing. Allele origin: germline. Affected: yes. Observed: 2 variant alleles.
Comment: ANKRD11: BP4, BP7

Labcorp Genetics (formerly Invitae), Labcorp
Classification: Likely benign for KBG syndrome. Last evaluated: 2025-05-01. Review status: criteria provided, single submitter. Criteria: Invitae Variant Classification Sherloc (09022015). Collection method: clinical testing. Allele origin: germline.

PreventionGenetics, part of Exact Sciences
Classification: Likely benign for ANKRD11-related condition. Last evaluated: 2024-12-11. Review status: criteria provided, single submitter. Criteria: ACMG Guidelines, 2015. Collection method: clinical testing. Allele origin: germline.
Comment: This variant is classified as likely benign based on ACMG/AMP sequence variant interpretation guidelines (Richards et al. 2015 PMID: 25741868, with internal and published modifications).

Blueprint Genetics
Classification: Likely benign. Last evaluated: 2024-10-09. Review status: criteria provided, single submitter. Criteria: ACMG Guidelines, 2015. Collection method: clinical testing. Allele origin: germline.

NM_013275.6(ANKRD11):c.6723C>T (p.Pro2241=)

Gene: ANKRD11 (ankyrin repeat domain 11; minus strand). Cytogenetic location: 16q24.3.
Variant type: single nucleotide variant.
Coding change: c.6723C>T on transcript NM_013275.6 (MANE Select); coding-DNA position 6723, C replaced by T.
Protein change: p.Pro2241=; no amino-acid change (proline 2241 retained).
Molecular consequence: synonymous variant.
Genome position (GRCh38, 1-based): chr16:89,279,819, G>A on the plus strand (C>T on the coding strand, the complement: ANKRD11 is on the minus strand). VCF-style: chr16-89279819-G-A. GRCh37 (hg19) VCF-style: chr16-89346227-G-A.
Other names: c.6723C>T, p.Pro2241= (NM_001256182.2, NM_001256183.2).
Identifiers: ClinVar variation 702896 (VCV000702896.30), dbSNP rs768804170, ClinGen allele CA8241356.
Genomic context (GRCh38, chr16:89,279,819, plus strand): 5'-TTCAGCCTCAGCCCCCTGGTCTCCGCTCCCCAGTGGGCGCTGTTCTGGGGGAACGGGCGC[G>A]GGCTCCACGCTGGAGTCCGGATCCCCACGGGCCCTCTCTTCCGGCACCGTCTCCGCCTCC-3'
Protein context (NP_037407.4, residues 2231-2251): ARGDPDSSVE[Pro2241=]APVPPEQRPL